The following is an entry in ClinVar:

ClinVar aggregate classification (germline): Uncertain significance (1 of 4 stars; one submission).

Allele frequency attached by ClinVar (database versions not stated): gnomAD exomes 0.00001; ExAC 0.00005; ESP Exome Variant Server 0.00008; gnomAD 0.00013; TOPMed 0.00014.
gnomAD v4.1: 40 of 1,613,784 alleles (0.0025%); highest among the groups gnomAD compares: African/African-American, 0.044%; no homozygotes.

Submission:

Labcorp Genetics (formerly Invitae), Labcorp
Classification: Uncertain significance. Last evaluated: 2022-07-21. Review status: criteria provided, single submitter. Criteria: Invitae Variant Classification Sherloc (09022015). Collection method: clinical testing. Allele origin: germline.
Comment: This sequence change replaces valine, which is neutral and non-polar, with methionine, which is neutral and non-polar, at codon 2785 of the FRAS1 protein (p.Val2785Met). This variant is present in population databases (rs377714950, gnomAD 0.03%). This variant has not been reported in the literature in individuals affected with FRAS1-related conditions. Algorithms developed to predict the effect of missense changes on protein structure and function output the following: SIFT: "Tolerated"; PolyPhen-2: "Benign"; Align-GVGD: "Class C0". The methionine amino acid residue is found in multiple mammalian species, which suggests that this missense change does not adversely affect protein function. In summary, the available evidence is currently insufficient to determine the role of this variant in disease. Therefore, it has been classified as a Variant of Uncertain Significance.

NM_025074.7(FRAS1):c.8353G>A (p.Val2785Met)

Gene: FRAS1 (Fraser extracellular matrix complex subunit 1; plus strand). Cytogenetic location: 4q21.21.
Variant type: single nucleotide variant.
Coding change: c.8353G>A on transcript NM_025074.7 (MANE Select); coding-DNA position 8353, G replaced by A.
Protein change: p.Val2785Met; replaces valine 2785 with methionine.
Molecular consequence: missense variant.
Genome position (GRCh38, 1-based): chr4:78,479,628, G>A. VCF-style: chr4-78479628-G-A. GRCh37 (hg19) VCF-style: chr4-79400782-G-A.
Other names: short protein forms V2785M.
Identifiers: ClinVar variation 2064091 (VCV002064091.1), dbSNP rs377714950, ClinGen allele CA2978337.